The following is an entry in ClinVar:

ClinVar aggregate classification (germline): Uncertain significance (1 of 4 stars; one submission).

gnomAD v4.1: 6 of 1,581,550 alleles (0.00038%); highest among the groups gnomAD compares: Non-Finnish European, 0.00052%; no homozygotes.

Submission:

Dasa
Classification: Uncertain significance. Last evaluated: 2025-04-15. Review status: criteria provided, single submitter. Criteria: DASA Assertion Criteria. Collection method: clinical testing. Allele origin: germline.
Comment: NM_004817.4(TJP2):c.811C>T (p.Arg271Cys) is a missense variant that results in the substitution of arginine with cysteine. This variant is rare in population databases. The currently available literature and clinical evidence are not sufficient to establish a definitive association between this variant and the reported condition. Therefore, this variant is classified as a variant of uncertain significance.

NM_004817.4(TJP2):c.811C>T (p.Arg271Cys)

Gene: TJP2 (tight junction protein 2; plus strand). Cytogenetic location: 9q21.11.
Variant type: single nucleotide variant.
Coding change: c.811C>T on transcript NM_004817.4 (MANE Select); coding-DNA position 811, C replaced by T.
Protein change: p.Arg271Cys; replaces arginine 271 with cysteine.
Molecular consequence: missense variant.
Genome position (GRCh38, 1-based): chr9:69,221,355, C>T. VCF-style: chr9-69221355-C-T. GRCh37 (hg19) VCF-style: chr9-71836271-C-T.
Other names: c.742C>T, p.Arg248Cys (NM_001170414.2, NM_001369870.1, NM_001369871.1); c.823C>T, p.Arg275Cys (NM_001170415.1, NM_001369874.1, NM_001369875.1); c.904C>T, p.Arg302Cys (NM_001170416.2); c.811C>T, p.Arg271Cys (NM_001369872.1, NM_001369873.1, NM_201629.3); short protein forms R248C, R271C, R275C, R302C.
Identifiers: ClinVar variation 4881552 (VCV004881552.2).